The following is an entry in ClinVar:

NM_005476.7(GNE):c.512T>C (p.Met171Thr)

Gene: GNE (glucosamine (UDP-N-acetyl)-2-epimerase/N-acetylmannosamine kinase; minus strand). Cytogenetic location: 9p13.3.
Variant type: single nucleotide variant.
Coding change: c.512T>C on transcript NM_005476.7 (MANE Select); coding-DNA position 512, T replaced by C.
Protein change: p.Met171Thr; replaces methionine 171 with threonine.
Molecular consequence: missense variant.
Genome position (GRCh38, 1-based): chr9:36,246,135, A>G on the plus strand (T>C on the coding strand, the complement: GNE is on the minus strand). VCF-style: chr9-36246135-A-G. GRCh37 (hg19) VCF-style: chr9-36246132-A-G.
Other names: c.605T>C, p.Met202Thr (NM_001128227.3); c.512T>C, p.Met171Thr (NM_001190383.3, NM_001374797.1); c.335T>C, p.Met112Thr (NM_001190384.3, NM_001190388.2, NM_001374798.1); short protein forms M202T, M112T, M171T.
Identifiers: ClinVar variation 1962474 (VCV001962474.5), dbSNP rs2489786683, ClinGen allele CA373418359.

ClinVar aggregate classification (germline): Uncertain significance (1 of 4 stars; one submission).

Conditions:
Sialuria. Also called: Sialic Acid Storage Disease; SIALURIA, FRENCH TYPE. Identifiers: Orphanet 3166, MedGen C0342853, MONDO:0010028, OMIM 269921.
GNE myopathy (NM). Also called: MYOPATHY, DISTAL, WITH OR WITHOUT RIMMED VACUOLES; INCLUSION BODY MYOPATHY, HEREDITARY, AUTOSOMAL RECESSIVE; INCLUSION BODY MYOPATHY 2, AUTOSOMAL RECESSIVE; NONAKA DISTAL MYOPATHY; IBM 2; Inclusion body myopathy autosomal recessive. Identifiers: Orphanet 602, MedGen C1853926, MONDO:0011603, OMIM 605820.

Submission:

Labcorp Genetics (formerly Invitae), Labcorp
Classification: Uncertain significance for Sialuria; GNE myopathy. Last evaluated: 2023-03-16. Review status: criteria provided, single submitter. Criteria: Invitae Variant Classification Sherloc (09022015). Collection method: clinical testing. Allele origin: germline.
Comment: In summary, the available evidence is currently insufficient to determine the role of this variant in disease. Therefore, it has been classified as a Variant of Uncertain Significance. Advanced modeling of protein sequence and biophysical properties (such as structural, functional, and spatial information, amino acid conservation, physicochemical variation, residue mobility, and thermodynamic stability) has been performed at Invitae for this missense variant, however the output from this modeling did not meet the statistical confidence thresholds required to predict the impact of this variant on GNE protein function. ClinVar contains an entry for this variant (Variation ID: 1962474). This variant has not been reported in the literature in individuals affected with GNE-related conditions. This variant is not present in population databases (gnomAD no frequency). This sequence change replaces methionine, which is neutral and non-polar, with threonine, which is neutral and polar, at codon 202 of the GNE protein (p.Met202Thr).